The following is an entry in ClinVar:

NM_001126121.2(SLC25A19):c.774+131C>G

Gene: SLC25A19 (solute carrier family 25 member 19; minus strand). Cytogenetic location: 17q25.1.
Variant type: single nucleotide variant.
Coding change: c.774+131C>G on transcript NM_001126121.2 (MANE Select); 131 bases into the intron after coding-DNA position 774, C replaced by G.
Molecular consequence: intron variant.
Genome position (GRCh38, 1-based): chr17:75,277,222, G>C on the plus strand (C>G on the coding strand, the complement: SLC25A19 is on the minus strand). VCF-style: chr17-75277222-G-C. GRCh37 (hg19) VCF-style: chr17-73273303-G-C.
Other names: c.774+131C>G (NM_001126122.2, NM_021734.5).
Identifiers: ClinVar variation 676198 (VCV000676198.1), dbSNP rs192824470, ClinGen allele CA294000417.

ClinVar aggregate classification (germline): Benign (1 of 4 stars; one submission).

Allele frequency attached by ClinVar (database versions not stated): 1000 Genomes Project 0.02995; 1000 Genomes Project 30x 0.03014; TOPMed 0.05146; gnomAD 0.05259 and 0.05377.
gnomAD v4.1: 77,797 of 1,198,050 alleles (6.5%); highest among the groups gnomAD compares: Middle Eastern, 12%; 3,138 homozygotes.

Submission:

GeneDx
Classification: Benign. Last evaluated: 2018-06-18. Review status: criteria provided, single submitter. Criteria: GeneDx Variant Classification (06012015). Collection method: clinical testing. Allele origin: germline. Affected: yes.
Comment: This variant is considered likely benign or benign based on one or more of the following criteria: it is a conservative change, it occurs at a poorly conserved position in the protein, it is predicted to be benign by multiple in silico algorithms, and/or has population frequency not consistent with disease.